The following is an entry in ClinVar:

ClinVar aggregate classification (germline): Uncertain significance. Review status: criteria provided, multiple submitters, no conflicts (2 of 4 stars). 3 submissions from 3 submitters: Uncertain significance (2). 1 of the submissions does not count toward it. Last evaluated 2024-02-26.

Conditions:
Hereditary spastic paraplegia 39 (SPG39). Also called: SPASTIC PARAPLEGIA 39, AUTOSOMAL RECESSIVE; Spastic Paraplegia Type 39 (SPG39). Identifiers: Orphanet 139480, MedGen C2677586, MONDO:0012787, OMIM 612020.
Amenorrhea. Identifiers: MedGen C0002453, MONDO:0001836, HP:0000141.

Allele frequency attached by ClinVar (database versions not stated): gnomAD exomes 0.00002; gnomAD 0.00003 and 0.00004; TOPMed 0.00003; ExAC 0.00005; ESP Exome Variant Server 0.00008.
gnomAD v4.1: 26 of 1,610,630 alleles (0.0016%); highest among the groups gnomAD compares: African/African-American, 0.004%; no homozygotes.

Submissions (3):

Labcorp Genetics (formerly Invitae), Labcorp
Classification: Uncertain significance for Hereditary spastic paraplegia 39. Last evaluated: 2024-02-26. Review status: criteria provided, single submitter. Criteria: Invitae Variant Classification Sherloc (09022015). Collection method: clinical testing. Allele origin: germline.
Comment: This sequence change replaces glycine, which is neutral and non-polar, with arginine, which is basic and polar, at codon 1281 of the PNPLA6 protein (p.Gly1281Arg). The frequency data for this variant in the population databases is considered unreliable, as metrics indicate poor data quality at this position in the gnomAD database. This variant has not been reported in the literature in individuals affected with PNPLA6-related conditions. ClinVar contains an entry for this variant (Variation ID: 893474). Advanced modeling of protein sequence and biophysical properties (such as structural, functional, and spatial information, amino acid conservation, physicochemical variation, residue mobility, and thermodynamic stability) has been performed at Invitae for this missense variant, however the output from this modeling did not meet the statistical confidence thresholds required to predict the impact of this variant on PNPLA6 protein function. In summary, the available evidence is currently insufficient to determine the role of this variant in disease. Therefore, it has been classified as a Variant of Uncertain Significance.

Illumina Laboratory Services, Illumina
Classification: Uncertain significance for Hereditary spastic paraplegia 39. Last evaluated: 2018-01-13. Review status: criteria provided, single submitter. Criteria: ICSL Variant Classification Criteria 13 December 2019. Collection method: clinical testing. Allele origin: germline.

Yale Center for Mendelian Genomics, Yale University
Classification: Uncertain significance for Amenorrhea. Last evaluated: 2021-03-08. Review status: no assertion criteria provided. Collection method: literature only. Allele origin: unknown. Affected: yes. Observed: 1 heterozygote. Study: Yale Center for Mendelian Genomics. Not counted in ClinVar's aggregate classification.

Literature cited by the submitters: PubMed 32870266 (cited by Yale Center for Mendelian Genomics, Yale University).

NM_001166114.2(PNPLA6):c.3955G>A (p.Gly1319Arg)

Gene: PNPLA6 (patatin like domain 6, lysophospholipase; plus strand). Cytogenetic location: 19p13.2.
Variant type: single nucleotide variant.
Coding change: c.3955G>A on transcript NM_001166114.2 (MANE Select); coding-DNA position 3955, G replaced by A.
Protein change: p.Gly1319Arg; replaces glycine 1319 with arginine.
Molecular consequence: missense variant.
Genome position (GRCh38, 1-based): chr19:7,561,249, G>A. VCF-style: chr19-7561249-G-A. GRCh37 (hg19) VCF-style: chr19-7626135-G-A.
Other names: c.3985G>A, p.Gly1329Arg (NM_001166111.2); c.3760G>A, p.Gly1254Arg (NM_001166112.2); c.3841G>A, p.Gly1281Arg (NM_001166113.1, NM_006702.5); short protein forms G1254R, G1281R, G1319R, G1329R.
Identifiers: ClinVar variation 893474 (VCV000893474.14), dbSNP rs140568070, ClinGen allele CA9140651.